The following is an entry in ClinVar:

NM_006767.4(LZTR1):c.250G>A (p.Gly84Ser)

Gene: LZTR1 (leucine zipper like post translational regulator 1; plus strand). Cytogenetic location: 22q11.21.
Variant type: single nucleotide variant.
Coding change: c.250G>A on transcript NM_006767.4 (MANE Select); coding-DNA position 250, G replaced by A.
Protein change: p.Gly84Ser; replaces glycine 84 with serine.
Molecular consequence: missense variant.
Genome position (GRCh38, 1-based): chr22:20,983,076, G>A. VCF-style: chr22-20983076-G-A. GRCh37 (hg19) VCF-style: chr22-21337365-G-A.
Other names: short protein forms G84S.
Identifiers: ClinVar variation 1792372 (VCV001792372.5), dbSNP rs774010552, ClinGen allele CA10118320.

ClinVar aggregate classification (germline): Uncertain significance. Review status: criteria provided, multiple submitters, no conflicts (2 of 4 stars). 2 submissions from 2 submitters: Uncertain significance (2). Last evaluated 2025-11-27.

Conditions:
Hereditary cancer-predisposing syndrome. Also called: Hereditary Cancer Syndrome; Hereditary neoplastic syndrome; Tumor predisposition; Neoplastic Syndromes, Hereditary. Identifiers: Orphanet 140162, MedGen C0027672, MeSH D009386, MONDO:0015356.
Cardiovascular phenotype. Identifiers: MedGen CN230736.

Allele frequency attached by ClinVar (database versions not stated): gnomAD exomes below 0.00001.
gnomAD v4.1: 2 of 1,614,070 alleles (0.00012%); highest among the groups gnomAD compares: Non-Finnish European, 0.00017%; no homozygotes.

Submissions (2):

Labcorp Genetics (formerly Invitae), Labcorp
Classification: Uncertain significance. Last evaluated: 2025-11-27. Review status: criteria provided, single submitter. Criteria: Invitae Variant Classification Sherloc (09022015). Collection method: clinical testing. Allele origin: germline.
Comment: This sequence change replaces glycine, which is neutral and non-polar, with serine, which is neutral and polar, at codon 84 of the LZTR1 protein (p.Gly84Ser). This variant is not present in population databases (gnomAD no frequency). This variant has not been reported in the literature in individuals affected with LZTR1-related conditions. ClinVar contains an entry for this variant (Variation ID: 1792372). Invitae Evidence Modeling of protein sequence and biophysical properties (such as structural, functional, and spatial information, amino acid conservation, physicochemical variation, residue mobility, and thermodynamic stability) indicates that this missense variant is not expected to disrupt LZTR1 protein function with a negative predictive value of 80%. In summary, the available evidence is currently insufficient to determine the role of this variant in disease. Therefore, it has been classified as a Variant of Uncertain Significance.

Ambry Genetics
Classification: Uncertain significance for Cardiovascular phenotype; Hereditary cancer-predisposing syndrome. Last evaluated: 2022-09-21. Review status: criteria provided, single submitter. Criteria: Ambry Variant Classification Scheme 2023. Collection method: clinical testing. Allele origin: germline.
Comment: The p.G84S variant (also known as c.250G>A), located in coding exon 2 of the LZTR1 gene, results from a G to A substitution at nucleotide position 250. The glycine at codon 84 is replaced by serine, an amino acid with similar properties. This amino acid position is conserved. In addition, this alteration is predicted to be deleterious by in silico analysis. Since supporting evidence is limited at this time, the clinical significance of this alteration remains unclear.